The following is an entry in ClinVar:

NM_000719.7(CACNA1C):c.1508+316G>A

Gene: CACNA1C (calcium voltage-gated channel subunit alpha1 C; plus strand). Cytogenetic location: 12p13.33.
Variant type: single nucleotide variant.
Coding change: c.1508+316G>A on transcript NM_000719.7 (MANE Select); 316 bases into the intron after coding-DNA position 1508, G replaced by A.
Molecular consequence: intron variant.
Genome position (GRCh38, 1-based): chr12:2,557,293, G>A. VCF-style: chr12-2557293-G-A. GRCh37 (hg19) VCF-style: chr12-2666459-G-A.
Other names: c.1508+316G>A (NM_001167624.3, NM_001167623.2, NM_001167625.2 and 18 more transcripts); c.1499+316G>A (NM_001129844.2).
Identifiers: ClinVar variation 683267 (VCV000683267.5), dbSNP rs2370597, ClinGen allele CA16434475.

ClinVar aggregate classification (germline): Benign. Review status: criteria provided, multiple submitters, no conflicts (2 of 4 stars). 2 submissions from 2 submitters: Benign (2). Last evaluated 2019-12-31.

Conditions:
Long QT syndrome (LQTS). Identifiers: MedGen C0023976, MeSH D008133, MONDO:0002442. Disease mechanism: loss of function. Inheritance: Various modes of inheritance.

Allele frequency attached by ClinVar (database versions not stated): gnomAD 0.88569 and 0.88628; 1000 Genomes Project 30x 0.83370; 1000 Genomes Project 0.83606; TOPMed 0.87537.
gnomAD v4.1: 134,827 of 152,070 alleles (89%); highest among the groups gnomAD compares: Non-Finnish European, 95%; 60,310 homozygotes.

Submissions (2):

Labcorp Genetics (formerly Invitae), Labcorp
Classification: Benign for Long QT syndrome. Last evaluated: 2019-12-31. Review status: criteria provided, single submitter. Criteria: Invitae Variant Classification Sherloc (09022015). Collection method: clinical testing. Allele origin: germline.

GeneDx
Classification: Benign. Last evaluated: 2018-06-19. Review status: criteria provided, single submitter. Criteria: GeneDx Variant Classification (06012015). Collection method: clinical testing. Allele origin: germline. Affected: yes.
Comment: This variant is considered likely benign or benign based on one or more of the following criteria: it is a conservative change, it occurs at a poorly conserved position in the protein, it is predicted to be benign by multiple in silico algorithms, and/or has population frequency not consistent with disease.